The following is an entry in ClinVar:

ClinVar aggregate classification (germline): Uncertain significance (1 of 4 stars; one submission).

Conditions:
Leigh syndrome (NULS). Also called: Leigh's necrotizing encephalopathy; Leigh's disease; Leigh Syndrome (mtDNA deletion); LEIGH SYNDROME, NUCLEAR; Leigh's syndrome; Leigh Disease. Identifiers: Orphanet 506, MedGen C2931891, MONDO:0009723, OMIM 256000.

Submission:

Labcorp Genetics (formerly Invitae), Labcorp
Classification: Uncertain significance for Leigh syndrome. Last evaluated: 2022-07-18. Review status: criteria provided, single submitter. Criteria: Invitae Variant Classification Sherloc (09022015). Collection method: clinical testing. Allele origin: germline.
Comment: Experimental studies and prediction algorithms are not available or were not evaluated, and the functional significance of this variant is currently unknown. In summary, the available evidence is currently insufficient to determine the role of this variant in disease. Therefore, it has been classified as a Variant of Uncertain Significance. This variant has not been reported in the literature in individuals affected with SURF1-related conditions. This variant, c.78_80dup, results in the insertion of 1 amino acid(s) of the SURF1 protein (p.Arg26dup), but otherwise preserves the integrity of the reading frame. This variant is not present in population databases (gnomAD no frequency).

NM_003172.4(SURF1):c.75GAG[3] (p.Arg26_Ser27insArg)

Genes: SURF1 (SURF1 cytochrome c oxidase assembly factor; minus strand), LOC130002899 (ATAC-STARR-seq lymphoblastoid silent region 20452; plus strand). Cytogenetic location: 9q34.2.
Variant type: Microsatellite.
Coding change: c.75GAG[3] on transcript NM_003172.4 (MANE Select); three copies in a row of the 3-base unit GAG starting at c.75; the reference has two copies in a row; one copy, 3 bases duplicated.
Protein change: p.Arg26_Ser27insArg.
Molecular consequence: inframe insertion. On other transcripts: intron variant (1).
Genome position (GRCh38, 1-based): chr9:133,356,295-133,356,297, CTC duplicated on the plus strand (GAG on the coding strand, the reverse complement: SURF1 is on the minus strand); duplicating any 3 consecutive bases within chr9:133,356,295-133,356,301 gives the same sequence; the position shown is the placement nearest the transcript's 3' end. VCF-style (leftmost placement, unchanged base first): chr9-133356294-G-GCTC. GRCh37 (hg19) VCF-style: chr9-136223149-G-GCTC.
Other names: c.-222+100GAG[3] (NM_001280787.1).
Identifiers: ClinVar variation 2067130 (VCV002067130.2), dbSNP rs1318931231, ClinGen allele CA860712145.